The following is an entry in ClinVar:

NM_001267550.2(TTN):c.44416A>G (p.Ser14806Gly)

Gene: TTN (titin; minus strand). Cytogenetic location: 2q31.2.
Variant type: single nucleotide variant.
Coding change: c.44416A>G on transcript NM_001267550.2 (MANE Select); coding-DNA position 44416, A replaced by G.
Protein change: p.Ser14806Gly; replaces serine 14806 with glycine.
Molecular consequence: missense variant.
Genome position (GRCh38, 1-based): chr2:178,629,309, T>C on the plus strand (A>G on the coding strand, the complement: TTN is on the minus strand). VCF-style: chr2-178629309-T-C. GRCh37 (hg19) VCF-style: chr2-179494036-T-C.
Other names: c.39493A>G, p.Ser13165Gly (NM_001256850.1); c.17221A>G, p.Ser5741Gly (NM_003319.4); c.36712A>G, p.Ser12238Gly (NM_133378.4); c.17596A>G, p.Ser5866Gly (NM_133432.3); c.17797A>G, p.Ser5933Gly (NM_133437.4); short protein forms S12238G, S13165G, S14806G, S5741G, S5866G, S5933G.
Identifiers: ClinVar variation 3369692 (VCV003369692.1).

ClinVar aggregate classification (germline): Uncertain significance (1 of 4 stars; one submission).

Submission:

GeneDx
Classification: Uncertain significance. Last evaluated: 2024-02-23. Review status: criteria provided, single submitter. Criteria: GeneDx Variant Classification Process June 2021. Collection method: clinical testing. Allele origin: germline. Affected: yes.
Comment: Not observed at significant frequency in large population cohorts (gnomAD); Missense variant in a gene in which most reported pathogenic variants are truncating/loss of function; Has not been previously published as pathogenic or benign to our knowledge